The following is an entry in ClinVar:

ClinVar aggregate classification (germline): Uncertain significance (1 of 4 stars; one submission).

Conditions:
Familial hemiplegic migraine. Identifiers: MedGen C0338484, MONDO:0000700.

Submission:

Labcorp Genetics (formerly Invitae), Labcorp
Classification: Uncertain significance for Familial hemiplegic migraine. Last evaluated: 2024-05-06. Review status: criteria provided, single submitter. Criteria: Invitae Variant Classification Sherloc (09022015). Collection method: clinical testing. Allele origin: germline.
Comment: This sequence change replaces isoleucine, which is neutral and non-polar, with threonine, which is neutral and polar, at codon 647 of the ATP1A2 protein (p.Ile647Thr). This variant is not present in population databases (gnomAD no frequency). This variant has not been reported in the literature in individuals affected with ATP1A2-related conditions. Advanced modeling of protein sequence and biophysical properties (such as structural, functional, and spatial information, amino acid conservation, physicochemical variation, residue mobility, and thermodynamic stability) has been performed at Invitae for this missense variant, however the output from this modeling did not meet the statistical confidence thresholds required to predict the impact of this variant on ATP1A2 protein function. In summary, the available evidence is currently insufficient to determine the role of this variant in disease. Therefore, it has been classified as a Variant of Uncertain Significance.

NM_000702.4(ATP1A2):c.1940T>C (p.Ile647Thr)

Gene: ATP1A2 (ATPase Na+/K+ transporting subunit alpha 2; plus strand). Cytogenetic location: 1q23.2.
Variant type: single nucleotide variant.
Coding change: c.1940T>C on transcript NM_000702.4 (MANE Select); coding-DNA position 1940, T replaced by C.
Protein change: p.Ile647Thr; replaces isoleucine 647 with threonine.
Molecular consequence: missense variant.
Genome position (GRCh38, 1-based): chr1:160,134,596, T>C. VCF-style: chr1-160134596-T-C. GRCh37 (hg19) VCF-style: chr1-160104386-T-C.
Other names: short protein forms I647T.
Identifiers: ClinVar variation 3633642 (VCV003633642.2).